The following is an entry in ClinVar:

ClinVar aggregate classification (germline): Conflicting classifications of pathogenicity. Review status: criteria provided, conflicting classifications (1 of 4 stars). 5 submissions from 5 submitters: Uncertain significance (2); Likely benign (2). 1 of the submissions does not count toward it. Last evaluated 2025-10-14.

Conditions:
Pyruvate dehydrogenase E2 deficiency (PDHDD). Also called: Dihydrolipoamide Acetyltransferase (E2) Deficiency; LACTIC ACIDEMIA DUE TO DEFECT OF E2 LIPOYL TRANSACETYLASE OF THE PYRUVATE DEHYDROGENASE COMPLEX. Identifiers: Orphanet 765, Orphanet 79244, MedGen C1855565, MONDO:0009502, OMIM 245348.
Inborn genetic diseases. Identifiers: MedGen C0950123, MeSH D030342.

Allele frequency attached by ClinVar (database versions not stated): TOPMed 0.00011; ExAC 0.00014; gnomAD exomes 0.00018; gnomAD 0.00019 and 0.00021; ESP Exome Variant Server 0.00023.

Submissions (5):

Ambry Genetics
Classification: Uncertain significance for Inborn genetic diseases. Last evaluated: 2025-10-14. Review status: criteria provided, single submitter. Criteria: Ambry Variant Classification Scheme 2023. Collection method: clinical testing. Allele origin: germline.

Labcorp Genetics (formerly Invitae), Labcorp
Classification: Likely benign for Pyruvate dehydrogenase E2 deficiency. Last evaluated: 2025-04-14. Review status: criteria provided, single submitter. Criteria: Invitae Variant Classification Sherloc (09022015). Collection method: clinical testing. Allele origin: germline.

GeneDx
Classification: Uncertain significance. Last evaluated: 2023-08-17. Review status: criteria provided, single submitter. Criteria: GeneDx Variant Classification Process June 2021. Collection method: clinical testing. Allele origin: germline. Affected: yes.
Comment: In silico analysis supports that this missense variant does not alter protein structure/function; Has not been previously published as pathogenic or benign to our knowledge

Clinical Genetics DNA and cytogenetics Diagnostics Lab, Erasmus MC, Erasmus Medical Center
Classification: Likely benign for Pyruvate dehydrogenase E2 deficiency. Last evaluated: 2017-08-03. Review status: criteria provided, single submitter. Criteria: ACGS Guidelines, 2013. Collection method: clinical testing. Allele origin: germline. Affected: yes. Study: VKGL Data-share Consensus.

Diagnostic Laboratory, Department of Genetics, University Medical Center Groningen
Classification: Likely benign for Pyruvate dehydrogenase E2 deficiency. Review status: no assertion criteria provided. Collection method: clinical testing. Allele origin: germline. Affected: yes. Study: VKGL Data-share Consensus. Not counted in ClinVar's aggregate classification.

NM_001931.5(DLAT):c.946C>T (p.Pro316Ser)

Gene: DLAT (dihydrolipoamide S-acetyltransferase; plus strand). Cytogenetic location: 11q23.1.
Variant type: single nucleotide variant.
Coding change: c.946C>T on transcript NM_001931.5 (MANE Select); coding-DNA position 946, C replaced by T.
Protein change: p.Pro316Ser; replaces proline 316 with serine.
Molecular consequence: missense variant. On other transcripts: intron variant (2).
Genome position (GRCh38, 1-based): chr11:112,037,431, C>T. VCF-style: chr11-112037431-C-T. GRCh37 (hg19) VCF-style: chr11-111908155-C-T.
Other names: c.946C>T, p.Pro316Ser (NM_001372031.1, NM_001372032.1, NM_001372033.1 and 1 more transcripts); c.913C>T, p.Pro305Ser (NM_001372034.1); c.820C>T, p.Pro274Ser (NM_001372036.1); c.778C>T, p.Pro260Ser (NM_001372037.1); c.667C>T, p.Pro223Ser (NM_001372038.1); c.565C>T, p.Pro189Ser (NM_001372040.1); c.484C>T, p.Pro162Ser (NM_001372042.1); c.661-1813C>T (NM_001372039.1, NM_001372041.1); short protein forms P316S, P260S, P162S, P189S, P305S, P223S, P274S.
Identifiers: ClinVar variation 302456 (VCV000302456.8), dbSNP rs149088081, ClinGen allele CA6276773.
Genomic context (GRCh38, chr11:112,037,431, plus strand): 5'-AAAGAGGCAGATATATCAGCATTTGCTGACTATAGGCCAACCGAAGTAACAGATTTAAAA[C>T]CACAAGTGCCACCACCTACCCCACCCCCGGTAGGTATGCTTCTAGAATTCAGGAAACACT-3'
Protein context (NP_001922.2, residues 306-326): YRPTEVTDLK[Pro316Ser]QVPPPTPPPV